The following is an entry in ClinVar:

NM_001148.6(ANK2):c.10573G>A (p.Glu3525Lys)

Gene: ANK2 (ankyrin 2; plus strand). Cytogenetic location: 4q26.
Variant type: single nucleotide variant.
Coding change: c.10573G>A on transcript NM_001148.6 (MANE Select); coding-DNA position 10573, G replaced by A.
Protein change: p.Glu3525Lys; replaces glutamic acid 3525 with lysine.
Molecular consequence: missense variant. On other transcripts: intron variant (68).
Genome position (GRCh38, 1-based): chr4:113,359,191, G>A. VCF-style: chr4-113359191-G-A. GRCh37 (hg19) VCF-style: chr4-114280347-G-A.
Other names: c.10339G>A, p.Glu3447Lys (NM_001386142.1); c.6973G>A, p.Glu2325Lys (NM_001386166.1); c.10714G>A, p.Glu3572Lys (NM_001386174.1); c.10690G>A, p.Glu3564Lys (NM_001386175.1); c.4412-1632G>A (NM_001386186.2, NM_001386148.2); c.4214-1632G>A (NM_001354269.3); c.4292-1632G>A (NM_001386187.2); c.4253-1632G>A (NM_001386147.1); and 35 more; short protein forms E3525K, E2325K, E3447K, E3564K, E3572K.
Identifiers: ClinVar variation 406479 (VCV000406479.12), dbSNP rs781552524, ClinGen allele CA3052089.

ClinVar aggregate classification (germline): Conflicting classifications of pathogenicity. Review status: criteria provided, conflicting classifications (1 of 4 stars). 6 submissions from 6 submitters: Uncertain significance (3); Likely benign (3). Last evaluated 2024-10-15.

Conditions:
Cardiovascular phenotype. Identifiers: MedGen CN230736.
ANK2-related disorder. Also called: ANK2-related condition.
Long QT syndrome (LQTS). Identifiers: MedGen C0023976, MeSH D008133, MONDO:0002442. Disease mechanism: loss of function. Inheritance: Various modes of inheritance.
Cardiac arrhythmia, ankyrin-B-related. Also called: ANKYRIN-B SYNDROME. Identifiers: Orphanet 101016, Orphanet 768, MedGen C1970119, MONDO:0010958, OMIM 600919.

Allele frequency attached by ClinVar (database versions not stated): gnomAD 0.00001; gnomAD exomes 0.00003 and 0.00005; ExAC 0.00006.
gnomAD v4.1: 51 of 1,613,062 alleles (0.0032%); highest among the groups gnomAD compares: Middle Eastern, 0.033%; no homozygotes.

Submissions (6):

Women's Health and Genetics/Laboratory Corporation of America, LabCorp
Classification: Likely benign. Last evaluated: 2024-10-15. Review status: criteria provided, single submitter. Criteria: LabCorp Variant Classification Summary - May 2015. Collection method: clinical testing. Allele origin: germline.
Comment: Variant summary: ANK2 c.10573G>A (p.Glu3525Lys) results in a conservative amino acid change in the encoded protein sequence. Three of four in-silico tools predict a benign effect of the variant on protein function. The variant allele was found at a frequency of 5.2e-05 in 250534 control chromosomes. The observed variant frequency is approximately 8 fold of the estimated maximal expected allele frequency for a pathogenic variant in ANK2 causing Long QT Syndrome phenotype (6.7e-06). To our knowledge, no occurrence of c.10573G>A in individuals affected with Long QT Syndrome and no experimental evidence demonstrating its impact on protein function have been reported. ClinVar contains an entry for this variant (Variation ID: 406479). Based on the evidence outlined above, the variant was classified as likely benign.

Labcorp Genetics (formerly Invitae), Labcorp
Classification: Uncertain significance for Long QT syndrome. Last evaluated: 2024-04-01. Review status: criteria provided, single submitter. Criteria: Invitae Variant Classification Sherloc (09022015). Collection method: clinical testing. Allele origin: germline.
Comment: This sequence change replaces glutamic acid, which is acidic and polar, with lysine, which is basic and polar, at codon 3525 of the ANK2 protein (p.Glu3525Lys). This variant is present in population databases (rs781552524, gnomAD 0.04%), and has an allele count higher than expected for a pathogenic variant. This variant has not been reported in the literature in individuals affected with ANK2-related conditions. ClinVar contains an entry for this variant (Variation ID: 406479). An algorithm developed to predict the effect of missense changes on protein structure and function (PolyPhen-2) suggests that this variant is likely to be disruptive. In summary, the available evidence is currently insufficient to determine the role of this variant in disease. Therefore, it has been classified as a Variant of Uncertain Significance.

Blueprint Genetics
Classification: Likely benign. Last evaluated: 2023-05-09. Review status: criteria provided, single submitter. Criteria: ACMG Guidelines, 2015. Collection method: clinical testing. Allele origin: germline.

PreventionGenetics, part of Exact Sciences
Classification: Uncertain significance for ANK2-related condition. Last evaluated: 2023-01-04. Review status: criteria provided, single submitter. Criteria: ACMG Guidelines, 2015. Collection method: clinical testing. Allele origin: germline.
Comment: The ANK2 c.10573G>A variant is predicted to result in the amino acid substitution p.Glu3525Lys. To our knowledge, this variant has not been reported in the literature. This variant is reported in 0.039% of alleles in individuals of South Asian descent in gnomAD. At this time, the clinical significance of this variant is uncertain due to the absence of conclusive functional and genetic evidence.

Ambry Genetics
Classification: Likely benign for Cardiovascular phenotype. Last evaluated: 2022-08-30. Review status: criteria provided, single submitter. Criteria: Ambry Variant Classification Scheme 2023. Collection method: clinical testing. Allele origin: germline.

Fulgent Genetics
Classification: Uncertain significance for Cardiac arrhythmia, ankyrin-B-related. Last evaluated: 2021-12-05. Review status: criteria provided, single submitter. Criteria: ACMG Guidelines, 2015. Collection method: clinical testing. Allele origin: unknown.